The following is an entry in ClinVar:

NM_001377.3(DYNC2H1):c.10479C>G (p.Leu3493=)

Gene: DYNC2H1 (dynein cytoplasmic 2 heavy chain 1; plus strand). Cytogenetic location: 11q22.3.
Variant type: single nucleotide variant.
Coding change: c.10479C>G on transcript NM_001377.3 (MANE Select); coding-DNA position 10479, C replaced by G.
Protein change: p.Leu3493=; no amino-acid change (leucine 3493 retained).
Molecular consequence: synonymous variant.
Genome position (GRCh38, 1-based): chr11:103,257,625, C>G. VCF-style: chr11-103257625-C-G. GRCh37 (hg19) VCF-style: chr11-103128354-C-G.
Other names: p.Leu3500=; c.10500C>G, p.Leu3500= (NM_001080463.2).
Identifiers: ClinVar variation 302093 (VCV000302093.24), dbSNP rs151056947, ClinGen allele CA6254994.

ClinVar aggregate classification (germline): Benign/Likely benign. Review status: criteria provided, multiple submitters, no conflicts (2 of 4 stars). 6 submissions from 6 submitters: Benign (5); Likely benign (1). Last evaluated 2026-01-31.

Conditions:
Asphyxiating thoracic dystrophy 3. Also called: SHORT-RIB THORACIC DYSPLASIA 3 WITH OR WITHOUT POLYDACTYLY; POLYDACTYLY WITH NEONATAL CHONDRODYSTROPHY, TYPE I; SHORT-RIB THORACIC DYSPLASIA 3/6 WITH POLYDACTYLY, DIGENIC; Short rib polydactyly syndrome 2B; Saldino-Noonan Syndrome. Identifiers: Orphanet 474, Orphanet 93269, Orphanet 93270, Orphanet 93271, MedGen C0036069, MONDO:0013127, OMIM 613091.
Jeune thoracic dystrophy. Also called: Short-rib thoracic dysplasia; Jeune syndrome; Infantile thoracic dystrophy; Thoracic pelvic phalangeal dystrophy; Jeune's syndrome; Chondroectodermal dysplasia-like syndrome. Identifiers: Orphanet 474, MedGen C0265275, MONDO:0018770.

Allele frequency attached by ClinVar (database versions not stated): gnomAD exomes 0.00309; ExAC 0.00358; gnomAD 0.01253 and 0.01339; ESP Exome Variant Server 0.01327; TOPMed 0.01328; 1000 Genomes Project 0.01338; 1000 Genomes Project 30x 0.01421.
gnomAD v4.1: 3,637 of 1,611,358 alleles (0.23%); highest among the groups gnomAD compares: African/African-American, 4.3%; 81 homozygotes.

Submissions (6):

Labcorp Genetics (formerly Invitae), Labcorp
Classification: Benign for Jeune thoracic dystrophy. Last evaluated: 2026-01-31. Review status: criteria provided, single submitter. Criteria: Invitae Variant Classification Sherloc (09022015). Collection method: clinical testing. Allele origin: germline.

ARUP Laboratories, Molecular Genetics and Genomics, ARUP Laboratories
Classification: Benign for Asphyxiating thoracic dystrophy 3. Last evaluated: 2025-06-11. Review status: criteria provided, single submitter. Criteria: ARUP Molecular Germline Variant Investigation Process 2024. Collection method: clinical testing. Allele origin: germline.

Mayo Clinic Laboratories, Mayo Clinic
Classification: Benign. Last evaluated: 2024-06-14. Review status: criteria provided, single submitter. Criteria: ACMG Guidelines, 2015. Collection method: clinical testing. Allele origin: germline. Observed: 2 variant alleles.
Comment: BA1, BS2, BP4, BP7

Illumina Laboratory Services, Illumina
Classification: Benign for Asphyxiating thoracic dystrophy 3. Last evaluated: 2018-01-13. Review status: criteria provided, single submitter. Criteria: ICSL Variant Classification Criteria 13 December 2019. Collection method: clinical testing. Allele origin: germline.
Comment: This variant was observed in the ICSL laboratory as part of a predisposition screen in an ostensibly healthy population. It had not been previously curated by ICSL or reported in the Human Gene Mutation Database (HGMD: prior to June 1st, 2018), and was therefore a candidate for classification through an automated scoring system. Utilizing variant allele frequency, disease prevalence and penetrance estimates, and inheritance mode, an automated score was calculated to assess if this variant is too frequent to cause the disease. Based on the score and internal cut-off values, a variant classified as benign is not then subjected to further curation. The score for this variant resulted in a classification of benign for this disease.

GeneDx
Classification: Benign. Last evaluated: 2017-07-03. Review status: criteria provided, single submitter. Criteria: GeneDx Variant Classification (06012015). Collection method: clinical testing. Allele origin: germline. Affected: yes.
Comment: This variant is considered likely benign or benign based on one or more of the following criteria: it is a conservative change, it occurs at a poorly conserved position in the protein, it is predicted to be benign by multiple in silico algorithms, and/or has population frequency not consistent with disease.

Breakthrough Genomics
Classification: Likely benign. Review status: criteria provided, single submitter. Criteria: ACMG Guidelines, 2015. Collection method: not provided. Allele origin: germline. Inheritance: Autosomal recessive inheritance. Affected: yes.